The following is an entry in ClinVar:

NC_000002.11:g.(?_63540363)_(63667025_?)del

Gene: WDPCP (WD repeat containing planar cell polarity effector; minus strand). Cytogenetic location: 2p15.
Variant type: Deletion.
Identifiers: ClinVar variation 2426240 (VCV002426240.4).

ClinVar aggregate classification (germline): Uncertain significance (1 of 4 stars; one submission).

Conditions:
Bardet-Biedl syndrome (BBS). Identifiers: Orphanet 110, MedGen C0752166, MONDO:0015229.

Submission:

Labcorp Genetics (formerly Invitae), Labcorp
Classification: Uncertain significance for Bardet-Biedl syndrome. Last evaluated: 2023-05-15. Review status: criteria provided, single submitter. Criteria: Invitae Variant Classification Sherloc (09022015). Collection method: clinical testing. Allele origin: germline.
Comment: In summary, the available evidence is currently insufficient to determine the role of this variant in disease. Therefore, it has been classified as a Variant of Uncertain Significance. Experimental studies and prediction algorithms are not available or were not evaluated, and the functional significance of this variant is currently unknown. This variant has not been reported in the literature in individuals affected with WDPCP-related conditions. This variant is a gross deletion of the genomic region encompassing exon(s) 7-13 of the WDPCP gene. This variant would be expected to be in-frame, preserving the integrity of the reading frame.